The following is an entry in ClinVar:

ClinVar aggregate classification (germline): Likely benign. Review status: criteria provided, multiple submitters, no conflicts (2 of 4 stars). 2 submissions from 2 submitters: Likely benign (2). Last evaluated 2024-12-01.

Conditions:
Dystonic disorder. Also called: Dystonia. Identifiers: MedGen C0013421, MONDO:0003441, HP:0001332.

Allele frequency attached by ClinVar (database versions not stated): ESP Exome Variant Server 0.00008; gnomAD 0.00019; TOPMed 0.00022.
gnomAD v4.1: 490 of 1,614,052 alleles (0.03%); highest among the groups gnomAD compares: Non-Finnish European, 0.037%; no homozygotes.

Submissions (2):

CeGaT Center for Human Genetics Tuebingen
Classification: Likely benign. Last evaluated: 2024-12-01. Review status: criteria provided, single submitter. Criteria: CeGaT Center For Human Genetics Tuebingen Variant Classification Criteria Version 2. Collection method: clinical testing. Allele origin: germline. Affected: yes. Observed: 4 variant alleles.
Comment: ANO3: BP4, BP7

Labcorp Genetics (formerly Invitae), Labcorp
Classification: Likely benign for Dystonic disorder. Last evaluated: 2024-06-21. Review status: criteria provided, single submitter. Criteria: Invitae Variant Classification Sherloc (09022015). Collection method: clinical testing. Allele origin: germline.

NM_031418.4(ANO3):c.2373A>T (p.Ala791=)

Gene: ANO3 (anoctamin 3; plus strand). Cytogenetic location: 11p14.2.
Variant type: single nucleotide variant.
Coding change: c.2373A>T on transcript NM_031418.4 (MANE Select); coding-DNA position 2373, A replaced by T.
Protein change: p.Ala791=; no amino-acid change (alanine 791 retained).
Molecular consequence: synonymous variant.
Genome position (GRCh38, 1-based): chr11:26,643,279, A>T. VCF-style: chr11-26643279-A-T. GRCh37 (hg19) VCF-style: chr11-26664826-A-T.
Other names: c.2556A>T, p.Ala852= (NM_001313726.2); c.1935A>T, p.Ala645= (NM_001313727.2).
Identifiers: ClinVar variation 493091 (VCV000493091.46), dbSNP rs141587028, ClinGen allele CA5926488.